The following is an entry in ClinVar:

ClinVar aggregate classification (germline): Benign. Review status: criteria provided, multiple submitters, no conflicts (2 of 4 stars). 5 submissions from 5 submitters: Benign (5). Last evaluated 2026-01-20.

Allele frequency attached by ClinVar (database versions not stated): gnomAD exomes 0.00111 and 0.00458; gnomAD 0.00179 and 0.00244; TOPMed 0.00250; ExAC 0.00268; 1000 Genomes Project 30x 0.01343; 1000 Genomes Project 0.01458.
gnomAD v4.1: 2,161 of 1,550,718 alleles (0.14%); highest among the groups gnomAD compares: East Asian, 3.7%; 32 homozygotes.

Submissions (5):

Labcorp Genetics (formerly Invitae), Labcorp
Classification: Benign. Last evaluated: 2026-01-20. Review status: criteria provided, single submitter. Criteria: Invitae Variant Classification Sherloc (09022015). Collection method: clinical testing. Allele origin: germline.

Athena Diagnostics
Classification: Benign. Last evaluated: 2019-10-28. Review status: criteria provided, single submitter. Criteria: Athena Diagnostics Criteria. Collection method: clinical testing. Allele origin: unknown.

GeneDx
Classification: Benign. Last evaluated: 2017-08-31. Review status: criteria provided, single submitter. Criteria: GeneDx Variant Classification (06012015). Collection method: clinical testing. Allele origin: germline. Affected: yes.
Comment: This variant is considered likely benign or benign based on one or more of the following criteria: it is a conservative change, it occurs at a poorly conserved position in the protein, it is predicted to be benign by multiple in silico algorithms, and/or has population frequency not consistent with disease.

Laboratory for Molecular Medicine, Mass General Brigham Personalized Medicine
Classification: Benign. Last evaluated: 2014-11-24. Review status: criteria provided, single submitter. Criteria: LMM Criteria. Collection method: clinical testing. Allele origin: germline. Observed: 6 variant alleles.
Comment: Ser1218Ser in exon 29 of OTOG: This variant is not expected to have clinical sig nificance because it does not alter an amino acid residue and is not located wit hin the splice consensus sequence. It has been identified in 3.5% (7/200) of Han Chinese chromosomes from a broad population by the 1000 Genomes Project (dbSNP rs143393149).

Breakthrough Genomics
Classification: Benign. Review status: criteria provided, single submitter. Criteria: ACMG Guidelines, 2015. Collection method: not provided. Allele origin: germline. Inheritance: Autosomal recessive inheritance. Affected: yes.

NM_001292063.2(OTOG):c.3618C>T (p.Ser1206=)

Gene: OTOG (otogelin; plus strand). Cytogenetic location: 11p15.1.
Variant type: single nucleotide variant.
Coding change: c.3618C>T on transcript NM_001292063.2 (MANE Select); coding-DNA position 3618, C replaced by T.
Protein change: p.Ser1206=; no amino-acid change (serine 1206 retained).
Molecular consequence: synonymous variant.
Genome position (GRCh38, 1-based): chr11:17,596,943, C>T. VCF-style: chr11-17596943-C-T. GRCh37 (hg19) VCF-style: chr11-17618490-C-T.
Other names: c.3654C>T, p.Ser1218= (NM_001277269.2).
Identifiers: ClinVar variation 226889 (VCV000226889.17), dbSNP rs143393149, ClinGen allele CA5905754.